The following is an entry in ClinVar:

ClinVar aggregate classification (germline): Uncertain significance (1 of 4 stars; one submission).

Allele frequency attached by ClinVar (database versions not stated): gnomAD exomes below 0.00001; TOPMed below 0.00001.
gnomAD v4.1: 1 of 1,614,192 alleles (0.000062%); highest among the groups gnomAD compares: Admixed American, 0.0017%; no homozygotes.

Submission:

Ambry Genetics
Classification: Uncertain significance. Last evaluated: 2021-10-07. Review status: criteria provided, single submitter. Criteria: Ambry Variant Classification Scheme 2023. Collection method: clinical testing. Allele origin: germline.
Comment: The p.Q156R variant (also known as c.467A>G), located in coding exon 6 of the NPAT gene, results from an A to G substitution at nucleotide position 467. The glutamine at codon 156 is replaced by arginine, an amino acid with highly similar properties. This amino acid position is conserved. In addition, this alteration is predicted to be tolerated by in silico analysis. Since supporting evidence is limited at this time, the clinical significance of this alteration remains unclear.

NM_002519.3(NPAT):c.467A>G (p.Gln156Arg)

Gene: NPAT (nuclear protein, coactivator of histone transcription; minus strand). Cytogenetic location: 11q22.3.
Variant type: single nucleotide variant.
Coding change: c.467A>G on transcript NM_002519.3 (MANE Select); coding-DNA position 467, A replaced by G.
Protein change: p.Gln156Arg; replaces glutamine 156 with arginine.
Molecular consequence: missense variant.
Genome position (GRCh38, 1-based): chr11:108,189,195, T>C on the plus strand (A>G on the coding strand, the complement: NPAT is on the minus strand). VCF-style: chr11-108189195-T-C. GRCh37 (hg19) VCF-style: chr11-108059922-T-C.
Other names: c.467A>G, p.Gln156Arg (NM_001321307.1); short protein forms Q156R.
Identifiers: ClinVar variation 1742376 (VCV001742376.2), dbSNP rs1430204339, ClinGen allele CA382524581.